The following is an entry in ClinVar:

NM_001350162.2(TEX15):c.6869_6872del (p.Lys2290fs)

Gene: TEX15 (testis expressed 15, meiosis and synapsis associated; minus strand). Cytogenetic location: 8p12.
Variant type: Deletion.
Coding change: c.6869_6872del on transcript NM_001350162.2 (MANE Select); coding-DNA positions 6869 to 6872, 4 bases deleted (AATA; older notation c.6869_6872delAATA).
Protein change: p.Lys2290fs; shifts the reading frame from lysine 2290.
Molecular consequence: frameshift variant.
Genome position (GRCh38, 1-based): chr8:30,843,295-30,843,298, TATT deleted on the plus strand (AATA on the coding strand, the reverse complement: TEX15 is on the minus strand); deleting any 4 consecutive bases within chr8:30,843,295-30,843,299 gives the same sequence; the c. name uses the placement nearest the transcript's 3' end. VCF-style (leftmost placement, unchanged base first): chr8-30843294-GTATT-G. GRCh37 (hg19) VCF-style: chr8-30700810-GTATT-G.
Other names: c.5719_5722delAAAT, p.Lys1907Thrfs (NM_031271.3); short protein forms K2290fs.
Identifiers: ClinVar variation 3234971 (VCV003234971.1), dbSNP rs1224137237, ClinGen allele CA581079459.
Genomic context (GRCh38, chr8:30,843,294, plus strand): 5'-CAACTTAGAAAAGGCACATTTATTCACTCTGAGTAGCCTTTCTTCGTCCTTCTTTTGTGA[GTATT>G]TTTTGCTGAAGGATTGTGTTCTCTCTTTCCAAACAAGATTTTTTGCAGCATCAAAAAAGA-3'

ClinVar aggregate classification (germline): Likely pathogenic (1 of 4 stars; one submission).

Conditions:
Spermatogenic failure 25. Identifiers: MedGen C4693765, MONDO:0054729, OMIM 617960.

Submission:

Neuberg Centre For Genomic Medicine, NCGM
Classification: Likely pathogenic for Spermatogenic failure 25. Review status: criteria provided, single submitter. Criteria: ACMG Guidelines, 2015. Collection method: clinical testing. Allele origin: germline. Inheritance: Autosomal recessive inheritance. Affected: yes.
Comment: The frameshift c.6869_6872delp.Lys2290ThrfsTer13 variant in TEX15 gene has not been reported previously as a pathogenic variant nor as a benign variant, to our knowledge. This variant is reported with the allele frequency of 0.0004% in the gnomAD Exomes and novel in 1000 Genomes. This variant causes a frameshift starting with codon Lysine 2290, changes this amino acid to Threonine residue, and creates a premature Stop codon at position 13 of the new reading frame, denoted p.Lys2290ThrfsTer13. This variant is predicted to cause loss of normal protein function either through protein truncation or nonsense-mediated mRNA decay. Loss of function variants have been previously reported to be disease causing. For these reasons, this variant has been classified as Likely Pathogenic.